The following is an entry in ClinVar:

ClinVar aggregate classification (germline): Uncertain significance (1 of 4 stars; one submission).

Conditions:
Hypertrophic cardiomyopathy 14. Identifiers: MedGen C2750467, MONDO:0013197, OMIM 613251.

Submission:

Labcorp Genetics (formerly Invitae), Labcorp
Classification: Uncertain significance for Hypertrophic cardiomyopathy 14. Last evaluated: 2022-02-17. Review status: criteria provided, single submitter. Criteria: Invitae Variant Classification Sherloc (09022015). Collection method: clinical testing. Allele origin: germline.
Comment: Algorithms developed to predict the effect of missense changes on protein structure and function are either unavailable or do not agree on the potential impact of this missense change (SIFT: "Tolerated"; PolyPhen-2: "Probably Damaging"; Align-GVGD: "Class C0"). This variant has not been reported in the literature in individuals affected with MYH6-related conditions. This variant is not present in population databases (gnomAD no frequency). This sequence change replaces alanine, which is neutral and non-polar, with threonine, which is neutral and polar, at codon 1391 of the MYH6 protein (p.Ala1391Thr). In summary, the available evidence is currently insufficient to determine the role of this variant in disease. Therefore, it has been classified as a Variant of Uncertain Significance.

NM_002471.4(MYH6):c.4171G>A (p.Ala1391Thr)

Gene: MYH6 (myosin heavy chain 6; minus strand). Cytogenetic location: 14q11.2.
Variant type: single nucleotide variant.
Coding change: c.4171G>A on transcript NM_002471.4 (MANE Select); coding-DNA position 4171, G replaced by A.
Protein change: p.Ala1391Thr; replaces alanine 1391 with threonine.
Molecular consequence: missense variant.
Genome position (GRCh38, 1-based): chr14:23,388,863, C>T on the plus strand (G>A on the coding strand, the complement: MYH6 is on the minus strand). VCF-style: chr14-23388863-C-T. GRCh37 (hg19) VCF-style: chr14-23858072-C-T.
Other names: short protein forms A1391T.
Identifiers: ClinVar variation 1964532 (VCV001964532.5), dbSNP rs2502152892, ClinGen allele CA389001248.